The following is an entry in ClinVar:

ClinVar aggregate classification (germline): Pathogenic (1 of 4 stars; one submission).

Submission:

GeneDx
Classification: Pathogenic. Last evaluated: 2025-07-27. Review status: criteria provided, single submitter. Criteria: GeneDx Variant Classification Process June 2021. Collection method: clinical testing. Allele origin: germline. Affected: yes.
Comment: Canonical splice site variant predicted to result in a null allele in a gene for which loss of function is a known mechanism of disease; Not observed at significant frequency in large population cohorts (gnomAD); Has not been previously published as pathogenic or benign to our knowledge

NM_003336.4(UBE2A):c.126-1G>A

Gene: UBE2A (ubiquitin conjugating enzyme E2 A; plus strand). Cytogenetic location: Xq24.
Variant type: single nucleotide variant.
Coding change: c.126-1G>A on transcript NM_003336.4 (MANE Select); the canonical splice acceptor site of the intron before coding-DNA position 126, G replaced by A.
Molecular consequence: splice acceptor variant.
Genome position (GRCh38, 1-based): chrX:119,575,374, G>A. VCF-style: chrX-119575374-G-A. GRCh37 (hg19) VCF-style: chrX-118709337-G-A.
Other names: c.126-1G>A (NM_181762.3); c.27-1G>A (NM_001282161.2).
Identifiers: ClinVar variation 392902 (VCV000392902.3), dbSNP rs1057524693, ClinGen allele CA16609117.